The following is an entry in ClinVar:

NM_203486.3(DLL3):c.601G>A (p.Gly201Ser)

Genes: DLL3 (delta like canonical Notch ligand 3; plus strand), LOC130064417 (ATAC-STARR-seq lymphoblastoid silent region 10608; plus strand). Cytogenetic location: 19q13.2.
Variant type: single nucleotide variant.
Coding change: c.601G>A on transcript NM_203486.3 (MANE Select); coding-DNA position 601, G replaced by A.
Protein change: p.Gly201Ser; replaces glycine 201 with serine.
Molecular consequence: missense variant.
Genome position (GRCh38, 1-based): chr19:39,503,006, G>A. VCF-style: chr19-39503006-G-A. GRCh37 (hg19) VCF-style: chr19-39993646-G-A.
Other names: c.601G>A, p.Gly201Ser (NM_016941.4); short protein forms G201S.
Identifiers: ClinVar variation 1027295 (VCV001027295.6), dbSNP rs1042783044, ClinGen allele CA308252342.

ClinVar aggregate classification (germline): Uncertain significance (1 of 4 stars; one submission).

Allele frequency attached by ClinVar (database versions not stated): gnomAD exomes 0.00004.

Submission:

Labcorp Genetics (formerly Invitae), Labcorp
Classification: Uncertain significance. Last evaluated: 2022-01-13. Review status: criteria provided, single submitter. Criteria: Invitae Variant Classification Sherloc (09022015). Collection method: clinical testing. Allele origin: germline.
Comment: This sequence change replaces glycine, which is neutral and non-polar, with serine, which is neutral and polar, at codon 201 of the DLL3 protein (p.Gly201Ser). This variant is present in population databases (no rsID available, gnomAD 0.006%). This variant has not been reported in the literature in individuals affected with DLL3-related conditions. ClinVar contains an entry for this variant (Variation ID: 1027295). Algorithms developed to predict the effect of missense changes on protein structure and function output the following: SIFT: "Tolerated"; PolyPhen-2: "Benign"; Align-GVGD: "Class C0". The serine amino acid residue is found in multiple mammalian species, which suggests that this missense change does not adversely affect protein function. Algorithms developed to predict the effect of sequence changes on RNA splicing suggest that this variant may create or strengthen a splice site. In summary, the available evidence is currently insufficient to determine the role of this variant in disease. Therefore, it has been classified as a Variant of Uncertain Significance.